The following is an entry in ClinVar:

NM_012073.5(CCT5):c.424C>T (p.Arg142Cys)

Gene: CCT5 (chaperonin containing TCP1 subunit 5; plus strand). Cytogenetic location: 5p15.2.
Variant type: single nucleotide variant.
Coding change: c.424C>T on transcript NM_012073.5 (MANE Select); coding-DNA position 424, C replaced by T.
Protein change: p.Arg142Cys; replaces arginine 142 with cysteine.
Molecular consequence: missense variant.
Genome position (GRCh38, 1-based): chr5:10,256,047, C>T. VCF-style: chr5-10256047-C-T. GRCh37 (hg19) VCF-style: chr5-10256159-C-T.
Other names: c.361C>T, p.Arg121Cys (NM_001306153.1); c.259C>T, p.Arg87Cys (NM_001306154.2); c.145C>T, p.Arg49Cys (NM_001306155.2); c.310C>T, p.Arg104Cys (NM_001306156.2); short protein forms R142C, R87C, R104C, R121C, R49C.
Identifiers: ClinVar variation 840756 (VCV000840756.13), dbSNP rs572671693, ClinGen allele CA3198066.

ClinVar aggregate classification (germline): Uncertain significance. Review status: criteria provided, multiple submitters, no conflicts (2 of 4 stars). 3 submissions from 3 submitters: Uncertain significance (3). Last evaluated 2025-07-16.

Conditions:
Hereditary sensory and autonomic neuropathy with spastic paraplegia (HSNSP). Identifiers: Orphanet 139578, MedGen C1850395, MONDO:0009748, OMIM 256840.

Allele frequency attached by ClinVar (database versions not stated): ExAC 0.00007; gnomAD 0.00008; gnomAD exomes 0.00008 and 0.00016; TOPMed 0.00009; 1000 Genomes Project 30x 0.00016; 1000 Genomes Project 0.00020.

Submissions (3):

ARUP Laboratories, Molecular Genetics and Genomics, ARUP Laboratories
Classification: Uncertain significance for Hereditary sensory and autonomic neuropathy with spastic paraplegia. Last evaluated: 2025-07-16. Review status: criteria provided, single submitter. Criteria: ARUP Molecular Germline Variant Investigation Process 2024. Collection method: clinical testing. Allele origin: germline.
Comment: The CCT5 c.424C>T; p.Arg142Cys variant (rs572671693), to our knowledge, is not reported in the medical literature but is reported in ClinVar (Variation ID: 840756). This variant is found in the general population with an overall allele frequency of 0.007% (20/282832 alleles) in the Genome Aggregation Database (v2.1.1). Computational analyses are uncertain whether this variant is neutral or deleterious (REVEL: 0.535). Due to limited information, the clinical significance of this variant is uncertain at this time.

Labcorp Genetics (formerly Invitae), Labcorp
Classification: Uncertain significance for Hereditary sensory and autonomic neuropathy with spastic paraplegia. Last evaluated: 2024-10-10. Review status: criteria provided, single submitter. Criteria: Invitae Variant Classification Sherloc (09022015). Collection method: clinical testing. Allele origin: germline.
Comment: This sequence change replaces arginine, which is basic and polar, with cysteine, which is neutral and slightly polar, at codon 142 of the CCT5 protein (p.Arg142Cys). This variant is present in population databases (rs572671693, gnomAD 0.01%). This variant has not been reported in the literature in individuals affected with CCT5-related conditions. ClinVar contains an entry for this variant (Variation ID: 840756). Invitae Evidence Modeling of protein sequence and biophysical properties (such as structural, functional, and spatial information, amino acid conservation, physicochemical variation, residue mobility, and thermodynamic stability) indicates that this missense variant is not expected to disrupt CCT5 protein function with a negative predictive value of 80%. In summary, the available evidence is currently insufficient to determine the role of this variant in disease. Therefore, it has been classified as a Variant of Uncertain Significance.

Illumina Laboratory Services, Illumina
Classification: Uncertain significance for Hereditary sensory and autonomic neuropathy with spastic paraplegia. Last evaluated: 2018-01-12. Review status: criteria provided, single submitter. Criteria: ICSL Variant Classification Criteria 13 December 2019. Collection method: clinical testing. Allele origin: germline.